The following is an entry in ClinVar:

NM_000260.4(MYO7A):c.6619A>T (p.Lys2207Ter)

Gene: MYO7A (myosin VIIA; plus strand). Cytogenetic location: 11q13.5.
Variant type: single nucleotide variant.
Coding change: c.6619A>T on transcript NM_000260.4 (MANE Select); coding-DNA position 6619, A replaced by T.
Protein change: p.Lys2207Ter; replaces lysine 2207 with a stop codon.
Molecular consequence: nonsense.
Genome position (GRCh38, 1-based): chr11:77,214,667, A>T. VCF-style: chr11-77214667-A-T. GRCh37 (hg19) VCF-style: chr11-76925712-A-T.
Other names: c.6499A>T, p.Lys2167Ter (NM_001127180.2); c.6472A>T, p.Lys2158Ter (NM_001369365.1); short protein forms K2207*, K2158*, K2167*.
Identifiers: ClinVar variation 1911205 (VCV001911205.5), dbSNP rs2497843086, ClinGen allele CA381939431.

ClinVar aggregate classification (germline): Uncertain significance (1 of 4 stars; one submission).

Submission:

Labcorp Genetics (formerly Invitae), Labcorp
Classification: Uncertain significance. Last evaluated: 2024-02-23. Review status: criteria provided, single submitter. Criteria: Invitae Variant Classification Sherloc (09022015). Collection method: clinical testing. Allele origin: germline.
Comment: This sequence change creates a premature translational stop signal (p.Lys2207*) in the MYO7A gene. While this is not anticipated to result in nonsense mediated decay, it is expected to disrupt the last 9 amino acid(s) of the MYO7A protein. This variant is not present in population databases (gnomAD no frequency). This variant has not been reported in the literature in individuals affected with MYO7A-related conditions. ClinVar contains an entry for this variant (Variation ID: 1911205). Algorithms developed to predict the effect of sequence changes on RNA splicing suggest that this variant may disrupt the consensus splice site. In summary, the available evidence is currently insufficient to determine the role of this variant in disease. Therefore, it has been classified as a Variant of Uncertain Significance.